The following is an entry in ClinVar:

NM_001267550.2(TTN):c.34045G>A (p.Glu11349Lys)

Gene: TTN (titin; minus strand). Cytogenetic location: 2q31.2.
Variant type: single nucleotide variant.
Coding change: c.34045G>A on transcript NM_001267550.2 (MANE Select); coding-DNA position 34045, G replaced by A.
Protein change: p.Glu11349Lys; replaces glutamic acid 11349 with lysine.
Molecular consequence: missense variant. On other transcripts: intron variant (3).
Genome position (GRCh38, 1-based): chr2:178,677,867, C>T on the plus strand (G>A on the coding strand, the complement: TTN is on the minus strand). VCF-style: chr2-178677867-C-T. GRCh37 (hg19) VCF-style: chr2-179542594-C-T.
Other names: c.33094G>A, p.Glu11032Lys (NM_001256850.1); c.30313G>A, p.Glu10105Lys (NM_133378.4); c.13283-35550G>A (NM_003319.4); c.13859-35550G>A (NM_133437.4); c.13658-35550G>A (NM_133432.3); short protein forms E10105K, E11032K, E11349K.
Identifiers: ClinVar variation 4080815 (VCV004080815.2).

ClinVar aggregate classification (germline): Uncertain significance. Review status: criteria provided, multiple submitters, no conflicts (2 of 4 stars). 2 submissions from 2 submitters: Uncertain significance (2). Last evaluated 2026-04-02.

gnomAD v4.1: 10 of 1,612,164 alleles (0.00062%); highest among the groups gnomAD compares: Non-Finnish European, 0.00085%; no homozygotes.

Submissions (2):

Women's Health and Genetics/Laboratory Corporation of America, LabCorp
Classification: Uncertain significance. Last evaluated: 2026-04-02. Review status: criteria provided, single submitter. Criteria: LabCorp Variant Classification Summary - May 2015. Collection method: clinical testing. Allele origin: germline.
Comment: Variant summary: TTN c.30313G>A (p.Glu10105Lys) results in a conservative amino acid change in the encoded protein sequence. Algorithms developed to predict the effect of missense changes on protein structure and function all suggest that this variant is likely to be tolerated. The variant allele was found at a frequency of 4e-06 in 248276 control chromosomes. The available data on variant occurrences in the general population are insufficient to allow any conclusion about variant significance. To our knowledge, no occurrence of c.30313G>A in individuals affected with TTN-related conditions and no experimental evidence demonstrating its impact on protein function have been reported. ClinVar contains an entry for this variant (Variation ID: 4080815). Based on the evidence outlined above, the variant was classified as uncertain significance.

Revvity Omics, Revvity
Classification: Uncertain significance. Last evaluated: 2024-05-07. Review status: criteria provided, single submitter. Criteria: ACMG Guidelines, 2015. Collection method: clinical testing. Allele origin: germline.